The following is an entry in ClinVar:

ClinVar aggregate classification (germline): Pathogenic. Review status: criteria provided, multiple submitters, no conflicts (2 of 4 stars). 4 submissions from 4 submitters: Pathogenic (3). 1 of the submissions does not count toward it. Last evaluated 2025-06-17.

Conditions:
Immunodeficiency, common variable, 2 (CVID2). Also called: ANTIBODY DEFICIENCY DUE TO TACI DEFECT; HYPOGAMMAGLOBULINEMIA DUE TO TACI DEFICIENCY. Identifiers: Orphanet 1572, MedGen C3150354, MONDO:0009413, OMIM 240500.

Submissions (4):

Labcorp Genetics (formerly Invitae), Labcorp
Classification: Pathogenic for Immunodeficiency, common variable, 2. Last evaluated: 2025-06-17. Review status: criteria provided, single submitter. Criteria: Invitae Variant Classification Sherloc (09022015). Collection method: clinical testing. Allele origin: germline.
Comment: This sequence change creates a premature translational stop signal (p.Ser194*) in the TNFRSF13B gene. It is expected to result in an absent or disrupted protein product. Loss-of-function variants in TNFRSF13B are known to be pathogenic (PMID: 16007087, 27123465). This variant is present in population databases (rs121908379, gnomAD 0.001%). This premature translational stop signal has been observed in individual(s) with common variable immunodeficiency (PMID: 16007087, 23237420). ClinVar contains an entry for this variant (Variation ID: 5306). For these reasons, this variant has been classified as Pathogenic.

Institute of Human Genetics, University of Leipzig Medical Center
Classification: Pathogenic for Immunodeficiency, common variable, 2. Last evaluated: 2022-11-02. Review status: criteria provided, single submitter. Criteria: ACMG Guidelines, 2015. Collection method: clinical testing. Allele origin: unknown. Affected: yes.
Comment: _x000D_ Criteria applied: PVS1, PS4_MOD, PM2_SUP

CeGaT Center for Human Genetics Tuebingen
Classification: Pathogenic. Last evaluated: 2022-06-01. Review status: criteria provided, single submitter. Criteria: CeGaT Center For Human Genetics Tuebingen Variant Classification Criteria Version 2. Collection method: clinical testing. Allele origin: germline. Affected: yes. Observed: 1 variant allele.
Comment: TNFRSF13B: PVS1, PM2

OMIM
Classification: Pathogenic for IMMUNODEFICIENCY, COMMON VARIABLE, 2. Last evaluated: 2005-08-01. Review status: no assertion criteria provided. Collection method: literature only. Allele origin: germline. Not counted in ClinVar's aggregate classification.

Literature cited by the submitters: PubMed 16007087 (cited by Labcorp Genetics (formerly Invitae), Labcorp and OMIM); PubMed 27123465 (cited by Labcorp Genetics (formerly Invitae), Labcorp); PubMed 23237420 (cited by Labcorp Genetics (formerly Invitae), Labcorp).

NM_012452.2(TNFRSF13B):c.581_582delCCinsAA (p.Ser194Ter)

Gene: TNFRSF13B (TNF receptor superfamily member 13B; minus strand). Cytogenetic location: 17p11.2.
Variant type: Indel.
Coding change: c.581_582delCCinsAA on transcript NM_012452.2; coding-DNA positions 581 to 582, 2 bases deleted.
Protein change: p.Ser194Ter; replaces serine 194 with a stop codon.
Genome position: GRCh38 VCF-style: chr17-16940375-GG-TT. GRCh37 (hg19) VCF-style: chr17-16843689-GG-TT.
Other names: S194*; c.581_582delinsAA, p.Ser194Ter (LRG_120t1); c.581_582delinsAA (NM_012452.3).
Identifiers: ClinVar variation 5306 (VCV000005306.40), dbSNP rs121908379, ClinGen allele CA117394.